The following is an entry in ClinVar:

ClinVar aggregate classification (germline): Uncertain significance (1 of 4 stars; one submission).

Conditions:
Congenital disorder of glycosylation, type Iaa. Also called: Congenital disorder of glycosylation, type 1aa. Identifiers: MedGen C4310727, MONDO:0014904, OMIM 617082.

Allele frequency attached by ClinVar (database versions not stated): gnomAD exomes below 0.00001.
gnomAD v4.1: 1 of 1,542,146 alleles (0.000065%); highest among the groups gnomAD compares: Non-Finnish European, 0.000087%; no homozygotes.

Submission:

Labcorp Genetics (formerly Invitae), Labcorp
Classification: Uncertain significance for Congenital disorder of glycosylation, type Iaa. Last evaluated: 2022-11-10. Review status: criteria provided, single submitter. Criteria: Invitae Variant Classification Sherloc (09022015). Collection method: clinical testing. Allele origin: germline.
Comment: Algorithms developed to predict the effect of missense changes on protein structure and function (SIFT, PolyPhen-2, Align-GVGD) all suggest that this variant is likely to be tolerated. In summary, the available evidence is currently insufficient to determine the role of this variant in disease. Therefore, it has been classified as a Variant of Uncertain Significance. This variant has not been reported in the literature in individuals affected with NUS1-related conditions. This variant is not present in population databases (gnomAD no frequency). This sequence change replaces arginine, which is basic and polar, with leucine, which is neutral and non-polar, at codon 57 of the NUS1 protein (p.Arg57Leu).

NM_138459.5(NUS1):c.170G>T (p.Arg57Leu)

Gene: NUS1 (NUS1 dehydrodolichyl diphosphate synthase subunit; plus strand). Cytogenetic location: 6q22.1.
Variant type: single nucleotide variant.
Coding change: c.170G>T on transcript NM_138459.5 (MANE Select); coding-DNA position 170, G replaced by T.
Protein change: p.Arg57Leu; replaces arginine 57 with leucine.
Molecular consequence: missense variant.
Genome position (GRCh38, 1-based): chr6:117,675,840, G>T. VCF-style: chr6-117675840-G-T. GRCh37 (hg19) VCF-style: chr6-117997003-G-T.
Other names: short protein forms R57L.
Identifiers: ClinVar variation 2810434 (VCV002810434.3), dbSNP rs1308278410, ClinGen allele CA365536045.